The following is an entry in ClinVar:

ClinVar aggregate classification (germline): Conflicting classifications of pathogenicity. Review status: criteria provided, conflicting classifications (1 of 4 stars). 2 submissions from 2 submitters: Likely pathogenic (1); Uncertain significance (1). Last evaluated 2026-04-28.

Conditions:
Bifunctional peroxisomal enzyme deficiency (DBIF). Also called: PBFE DEFICIENCY; D-bifunctional protein deficiency; DBP DEFICIENCY. Identifiers: Orphanet 300, MedGen C0342870, MONDO:0009855, OMIM 261515. Disease mechanism: loss of function.
Perrault syndrome. Also called: Gonadal dysgenesis with auditory dysfunction, autosomal recessive inheritance. Identifiers: Orphanet 2855, MedGen C0685838, MONDO:0017312.

Submissions (2):

Myriad Genetics, Inc.
Classification: Uncertain significance for Bifunctional peroxisomal enzyme deficiency. Last evaluated: 2026-04-28. Review status: criteria provided, single submitter. Criteria: Myriad Autosomal Dominant, Autosomal Recessive and X-Linked Classification Criteria (2023). Collection method: clinical testing. Allele origin: unknown.
Comment: NM_000414.3(HSD17B4):c.293A>T(N98I) is a missense variant classified as a variant of uncertain significance in the context of HSD17B4-related disorders. N98I has not been observed in cases with relevant disease. Relevant functional assessments of this variant are not available in the literature. N98I has not been observed in referenced population frequency databases. In summary, there is insufficient evidence to classify NM_000414.3(HSD17B4):c.293A>T(N98I) as pathogenic or benign. Please note: this variant was assessed in the context of healthy population screening.

Labcorp Genetics (formerly Invitae), Labcorp
Classification: Likely pathogenic for Perrault syndrome; Bifunctional peroxisomal enzyme deficiency. Last evaluated: 2023-07-25. Review status: criteria provided, single submitter. Criteria: Invitae Variant Classification Sherloc (09022015). Collection method: clinical testing. Allele origin: germline.
Comment: In summary, the currently available evidence indicates that the variant is pathogenic, but additional data are needed to prove that conclusively. Therefore, this variant has been classified as Likely Pathogenic. This variant disrupts the p.Asn98 amino acid residue in HSD17B4. Other variant(s) that disrupt this residue have been determined to be pathogenic (PMID: 27790638). This suggests that this residue is clinically significant, and that variants that disrupt this residue are likely to be disease-causing. Advanced modeling of protein sequence and biophysical properties (such as structural, functional, and spatial information, amino acid conservation, physicochemical variation, residue mobility, and thermodynamic stability) performed at Invitae indicates that this missense variant is expected to disrupt HSD17B4 protein function. This variant has not been reported in the literature in individuals affected with HSD17B4-related conditions. This variant is not present in population databases (gnomAD no frequency). This sequence change replaces asparagine, which is neutral and polar, with isoleucine, which is neutral and non-polar, at codon 98 of the HSD17B4 protein (p.Asn98Ile).

Literature cited by the submitters: PubMed 27790638 (cited by Labcorp Genetics (formerly Invitae), Labcorp).

NM_000414.4(HSD17B4):c.293A>T (p.Asn98Ile)

Gene: HSD17B4 (hydroxysteroid 17-beta dehydrogenase 4; plus strand). Cytogenetic location: 5q23.1.
Variant type: single nucleotide variant.
Coding change: c.293A>T on transcript NM_000414.4 (MANE Select); coding-DNA position 293, A replaced by T.
Protein change: p.Asn98Ile; replaces asparagine 98 with isoleucine.
Molecular consequence: missense variant. On other transcripts: 5 prime UTR variant (5), non-coding transcript variant (2).
Genome position (GRCh38, 1-based): chr5:119,475,718, A>T. VCF-style: chr5-119475718-A-T. GRCh37 (hg19) VCF-style: chr5-118811413-A-T.
Other names: c.368A>T, p.Asn123Ile (NM_001199291.3); c.239A>T, p.Asn80Ile (NM_001199292.2); c.221A>T, p.Asn74Ile (NM_001292027.2); c.-119A>T (NM_001292028.2, NM_001374501.1, NM_001374502.1 and 1 more transcripts); c.293A>T, p.Asn98Ile (NM_001374497.1, NM_001374498.1); c.13A>T, p.Thr5Ser (NM_001374499.1); c.-246A>T (NM_001374500.1); short protein forms T5S, N74I, N98I, N80I, N123I.
Identifiers: ClinVar variation 2939110 (VCV002939110.4), dbSNP rs1392361503, ClinGen allele CA360864887.